The following is an entry in ClinVar:

NM_001854.4(COL11A1):c.1351-3T>A

Gene: COL11A1 (collagen type XI alpha 1 chain; minus strand). Cytogenetic location: 1p21.1.
Variant type: single nucleotide variant.
Coding change: c.1351-3T>A on transcript NM_001854.4 (MANE Select); 3 bases into the intron before coding-DNA position 1351, T replaced by A.
Molecular consequence: intron variant.
Genome position (GRCh38, 1-based): chr1:103,017,885, A>T on the plus strand (T>A on the coding strand, the complement: COL11A1 is on the minus strand). VCF-style: chr1-103017885-A-T. GRCh37 (hg19) VCF-style: chr1-103483441-A-T.
Other names: c.1234-3T>A (NM_001190709.2); c.1387-3T>A (NM_080629.3); c.1003-3T>A (NM_080630.4).
Identifiers: ClinVar variation 874960 (VCV000874960.11), dbSNP rs1296607621, ClinGen allele CA524904140.

ClinVar aggregate classification (germline): Uncertain significance. Review status: criteria provided, multiple submitters, no conflicts (2 of 4 stars). 5 submissions from 4 submitters: Uncertain significance (5). Last evaluated 2026-09-01.

Conditions:
Fibrochondrogenesis 1 (FBCG1). Identifiers: Orphanet 2021, MedGen C3278138, MONDO:0009226, OMIM 228520.
Stickler syndrome type 2 (STL2). Also called: STICKLER SYNDROME, TYPE II; STICKLER SYNDROME, BEADED VITREOUS TYPE; STICKLER SYNDROME, VITREOUS TYPE 2; COL11A1-Related Stickler Syndrome. Identifiers: Orphanet 828, Orphanet 90654, MedGen C1858084, MONDO:0011493, OMIM 604841.

Allele frequency attached by ClinVar (database versions not stated): gnomAD exomes below 0.00001; TOPMed 0.00001.
gnomAD v4.1: 4 of 1,610,232 alleles (0.00025%); highest among the groups gnomAD compares: Non-Finnish European, 0.00025%; no homozygotes.

Submissions (5):

CeGaT Center for Human Genetics Tuebingen
Classification: Uncertain significance. Last evaluated: 2026-09-01. Review status: criteria provided, single submitter. Criteria: CeGaT Center For Human Genetics Tuebingen Variant Classification Criteria Version 2. Collection method: clinical testing. Allele origin: germline. Affected: yes. Observed: 1 variant allele.
Comment: COL11A1: PM2

Blueprint Genetics
Classification: Uncertain significance. Last evaluated: 2024-05-27. Review status: criteria provided, single submitter. Criteria: ACMG Guidelines, 2015. Collection method: clinical testing. Allele origin: germline.

Labcorp Genetics (formerly Invitae), Labcorp
Classification: Uncertain significance. Last evaluated: 2023-02-04. Review status: criteria provided, single submitter. Criteria: Invitae Variant Classification Sherloc (09022015). Collection method: clinical testing. Allele origin: germline.
Comment: This variant is present in population databases (no rsID available, gnomAD 0.0009%). In summary, the available evidence is currently insufficient to determine the role of this variant in disease. Therefore, it has been classified as a Variant of Uncertain Significance. Variants that disrupt the consensus splice site are a relatively common cause of aberrant splicing (PMID: 17576681, 9536098). Algorithms developed to predict the effect of sequence changes on RNA splicing suggest that this variant may create or strengthen a splice site. ClinVar contains an entry for this variant (Variation ID: 874960). This variant has not been reported in the literature in individuals affected with COL11A1-related conditions. This sequence change falls in intron 10 of the COL11A1 gene. It does not directly change the encoded amino acid sequence of the COL11A1 protein. It affects a nucleotide within the consensus splice site.

Illumina Laboratory Services, Illumina
Classification: Uncertain significance for Fibrochondrogenesis 1. Last evaluated: 2018-01-13. Review status: criteria provided, single submitter. Criteria: ICSL Variant Classification Criteria 13 December 2019. Collection method: clinical testing. Allele origin: germline.

Illumina Laboratory Services, Illumina
Classification: Uncertain significance for Stickler syndrome type 2. Last evaluated: 2018-01-13. Review status: criteria provided, single submitter. Criteria: ICSL Variant Classification Criteria 13 December 2019. Collection method: clinical testing. Allele origin: germline.

Literature cited by the submitters: PubMed 17576681 (cited by Labcorp Genetics (formerly Invitae), Labcorp); PubMed 9536098 (cited by Labcorp Genetics (formerly Invitae), Labcorp).